The following is an entry in ClinVar:

NM_148919.4(PSMB8):c.646C>T (p.Arg216Trp)

Gene: PSMB8 (proteasome 20S subunit beta 8; minus strand). Cytogenetic location: 6p21.32.
Variant type: single nucleotide variant.
Coding change: c.646C>T on transcript NM_148919.4 (MANE Select); coding-DNA position 646, C replaced by T.
Protein change: p.Arg216Trp; replaces arginine 216 with tryptophan.
Molecular consequence: missense variant.
Genome position (GRCh38, 1-based): chr6:32,841,627, G>A on the plus strand (C>T on the coding strand, the complement: PSMB8 is on the minus strand). VCF-style: chr6-32841627-G-A. GRCh37 (hg19) VCF-style: chr6-32809404-G-A.
Other names: c.634C>T, p.Arg212Trp (NM_004159.5); short protein forms R212W, R216W.
Identifiers: ClinVar variation 2419153 (VCV002419153.2), dbSNP rs146956608, ClinGen allele CA3746325.

ClinVar aggregate classification (germline): Uncertain significance (1 of 4 stars; one submission).

Conditions:
Proteasome-associated autoinflammatory syndrome 1 (PRAAS1). Also called: JOINT CONTRACTURES, MUSCULAR ATROPHY, MICROCYTIC ANEMIA, AND PANNICULITIS-INDUCED LIPODYSTROPHY; JMP SYNDROME; AUTOINFLAMMATION, LIPODYSTROPHY, AND DERMATOSIS SYNDROME; NAKAJO-NISHIMURA SYNDROME; CHRONIC ATYPICAL NEUTROPHILIC DERMATOSIS WITH LIPODYSTROPHY AND ELEVATED TEMPERATURE SYNDROME; Nakajo syndrome. Identifiers: Orphanet 2615, Orphanet 324977, Orphanet 324999, Orphanet 325004, MedGen C4746851, MONDO:0054698, OMIM 256040.

Allele frequency attached by ClinVar (database versions not stated): ExAC 0.00005; gnomAD 0.00005; TOPMed 0.00006; ESP Exome Variant Server 0.00012.

Submission:

Labcorp Genetics (formerly Invitae), Labcorp
Classification: Uncertain significance for Proteosome-associated autoinflammatory syndrome. Last evaluated: 2022-04-19. Review status: criteria provided, single submitter. Criteria: Invitae Variant Classification Sherloc (09022015). Collection method: clinical testing. Allele origin: germline.
Comment: This sequence change replaces arginine, which is basic and polar, with tryptophan, which is neutral and slightly polar, at codon 216 of the PSMB8 protein (p.Arg216Trp). This variant is present in population databases (rs146956608, gnomAD 0.01%). This variant has not been reported in the literature in individuals affected with PSMB8-related conditions. Algorithms developed to predict the effect of missense changes on protein structure and function are either unavailable or do not agree on the potential impact of this missense change (SIFT: "Deleterious"; PolyPhen-2: "Probably Damaging"; Align-GVGD: "Class C0"). In summary, the available evidence is currently insufficient to determine the role of this variant in disease. Therefore, it has been classified as a Variant of Uncertain Significance.